The following is an entry in ClinVar:

NM_001165963.4(SCN1A):c.3672T>G (p.Ile1224Met)

Genes: SCN1A (sodium voltage-gated channel alpha subunit 1; minus strand), LOC102724058 (uncharacterized LOC102724058; plus strand). Cytogenetic location: 2q24.3.
Variant type: single nucleotide variant.
Coding change: c.3672T>G on transcript NM_001165963.4 (MANE Select); coding-DNA position 3672, T replaced by G.
Protein change: p.Ile1224Met; replaces isoleucine 1224 with methionine.
Molecular consequence: missense variant. On other transcripts: non-coding transcript variant (1).
Genome position (GRCh38, 1-based): chr2:166,013,777, A>C on the plus strand (T>G on the coding strand, the complement: SCN1A is on the minus strand). VCF-style: chr2-166013777-A-C. GRCh37 (hg19) VCF-style: chr2-166870287-A-C.
Other names: c.3588T>G, p.Ile1196Met (NM_001165964.3, NM_001353957.2, NM_001353958.2); c.3672T>G, p.Ile1224Met (NM_001202435.3, NM_001353948.2); c.3639T>G, p.Ile1213Met (NM_001353949.2, NM_001353950.2, NM_001353951.2 and 2 more transcripts); c.3636T>G, p.Ile1212Met (NM_001353954.2, NM_001353955.2); c.3585T>G, p.Ile1195Met (NM_001353960.2); c.1230T>G, p.Ile410Met (NM_001353961.2); short protein forms I1195M, I1196M, I1212M, I1213M, I1224M, I410M.
Identifiers: ClinVar variation 1714503 (VCV001714503.5), dbSNP rs2468531077, ClinGen allele CA349055826.

ClinVar aggregate classification (germline): Uncertain significance (1 of 4 stars; one submission).

Conditions:
Early-infantile DEE. Also called: Early infantile epileptic encephalopathy with suppression bursts; Early infantile epileptic encephalopathy; Ohtahara syndrome. Identifiers: Orphanet 1934, MedGen C0393706, MONDO:0800491.

Submission:

Labcorp Genetics (formerly Invitae), Labcorp
Classification: Uncertain significance for Early-infantile DEE. Last evaluated: 2022-07-30. Review status: criteria provided, single submitter. Criteria: Invitae Variant Classification Sherloc (09022015). Collection method: clinical testing. Allele origin: germline.
Comment: In summary, the available evidence is currently insufficient to determine the role of this variant in disease. Therefore, it has been classified as a Variant of Uncertain Significance. Advanced modeling of protein sequence and biophysical properties (such as structural, functional, and spatial information, amino acid conservation, physicochemical variation, residue mobility, and thermodynamic stability) performed at Invitae indicates that this missense variant is expected to disrupt SCN1A protein function. This variant has not been reported in the literature in individuals affected with SCN1A-related conditions. This variant is not present in population databases (gnomAD no frequency). This sequence change replaces isoleucine, which is neutral and non-polar, with methionine, which is neutral and non-polar, at codon 1224 of the SCN1A protein (p.Ile1224Met).